The following is an entry in ClinVar:

NM_001242957.3(MAK):c.1195_1196del (p.Thr399fs)

Gene: MAK (male germ cell associated kinase; minus strand). Cytogenetic location: 6p24.2.
Variant type: Deletion.
Coding change: c.1195_1196del on transcript NM_001242957.3 (MANE Select); coding-DNA positions 1195 to 1196, 2 bases deleted (AC; older notation c.1195_1196delAC).
Protein change: p.Thr399fs; shifts the reading frame from threonine 399.
Molecular consequence: frameshift variant. On other transcripts: non-coding transcript variant (2).
Genome position (GRCh38, 1-based): chr6:10,791,795-10,791,796, GT deleted on the plus strand (AC on the coding strand, the reverse complement: MAK is on the minus strand). VCF-style (leftmost placement, unchanged base first): chr6-10791794-AGT-A. GRCh37 (hg19) VCF-style: chr6-10792027-AGT-A.
Other names: c.1195_1196del, p.Thr399fs (NM_001242385.2, NM_005906.6); c.1093_1094del, p.Thr365fs (NM_001377262.1); c.1195_1196delAC (NM_001242957.2); short protein forms T399fs, T365fs.
Identifiers: ClinVar variation 870824 (VCV000870824.51), dbSNP rs1445845736, ClinGen allele CA565827473.

ClinVar aggregate classification (germline): Pathogenic. Review status: criteria provided, multiple submitters, no conflicts (2 of 4 stars). 4 submissions from 4 submitters: Pathogenic (4). Last evaluated 2026-08-01.

Conditions:
MAK-related disorder. Also called: MAK-related condition.
MAK-related disorders.

Allele frequency attached by ClinVar (database versions not stated): gnomAD 0.00001; gnomAD exomes 0.00001 and 0.00002; TOPMed 0.00001.

Submissions (4):

CeGaT Center for Human Genetics Tuebingen
Classification: Pathogenic. Last evaluated: 2026-08-01. Review status: criteria provided, single submitter. Criteria: CeGaT Center For Human Genetics Tuebingen Variant Classification Criteria Version 2. Collection method: clinical testing. Allele origin: germline. Affected: yes. Observed: 2 variant alleles.
Comment: MAK: PVS1, PM2, PM3:Supporting

Labcorp Genetics (formerly Invitae), Labcorp
Classification: Pathogenic. Last evaluated: 2025-11-26. Review status: criteria provided, single submitter. Criteria: Invitae Variant Classification Sherloc (09022015). Collection method: clinical testing. Allele origin: germline.
Comment: This sequence change creates a premature translational stop signal (p.Thr399Tyrfs*7) in the MAK gene. It is expected to result in an absent or disrupted protein product. Loss-of-function variants in MAK are known to be pathogenic (PMID: 21148103, 21825139, 24938718, 29781741). This variant is present in population databases (no rsID available, gnomAD 0.002%). This premature translational stop signal has been observed in individual(s) with autosomal recessive inherited retinal dystrophy (PMID: 29781741). In at least one individual the data is consistent with being in trans (on the opposite chromosome) from a pathogenic variant. ClinVar contains an entry for this variant (Variation ID: 870824). Algorithms developed to predict the effect of sequence changes on RNA splicing suggest that this variant may disrupt the consensus splice site. For these reasons, this variant has been classified as Pathogenic.

PreventionGenetics, part of Exact Sciences
Classification: Pathogenic for MAK-related condition. Last evaluated: 2025-07-31. Review status: criteria provided, single submitter. Criteria: ACMG Guidelines, 2015. Collection method: clinical testing. Allele origin: germline.
Comment: The MAK c.1195_1196delAC variant is predicted to result in a frameshift and premature protein termination (p.Thr399Tyrfs*7). This variant was reported, along with a second causative variant in the same gene, in an individual with autosomal recessive retinitis pigmentosa (Gray et al. 2018. PubMed ID: 29781741). This variant is reported in 0.0018% of alleles in individuals of European (Non-Finnish) descent in gnomAD. Frameshift variants in MAK are expected to be pathogenic. This variant is interpreted as pathogenic.

Blueprint Genetics
Classification: Pathogenic for MAK-related disorders. Last evaluated: 2022-03-21. Review status: criteria provided, single submitter. Criteria: ACMG Guidelines, 2015. Collection method: clinical testing. Allele origin: germline. Affected: yes. Observed: 1 variant allele.

Literature cited by the submitters: PubMed 21148103 (cited by Labcorp Genetics (formerly Invitae), Labcorp); PubMed 21825139 (cited by Labcorp Genetics (formerly Invitae), Labcorp); PubMed 24938718 (cited by Labcorp Genetics (formerly Invitae), Labcorp); PubMed 29781741 (cited by Labcorp Genetics (formerly Invitae), Labcorp).